The following is an entry in ClinVar:

ClinVar aggregate classification (germline): Pathogenic (1 of 4 stars; one submission).

Conditions:
Osteogenesis imperfecta type I (OI1). Also called: Osteogenesis imperfecta type 1; Lobstein's Disease; OI, TYPE I; OSTEOGENESIS IMPERFECTA TARDA; OSTEOGENESIS IMPERFECTA WITH BLUE SCLERAE; Lobstein disease. Identifiers: Orphanet 216796, Orphanet 666, MedGen C0023931, MONDO:0008146, OMIM 166200. Disease mechanism: loss of function.

Submission:

Labcorp Genetics (formerly Invitae), Labcorp
Classification: Pathogenic for Osteogenesis imperfecta type I. Last evaluated: 2026-01-19. Review status: criteria provided, single submitter. Criteria: Invitae Variant Classification Sherloc (09022015). Collection method: clinical testing. Allele origin: germline.
Comment: This sequence change affects an acceptor splice site in intron 40 of the COL1A1 gene. It is expected to disrupt RNA splicing. Variants that disrupt the donor or acceptor splice site typically lead to a loss of protein function (PMID: 16199547), and loss-of-function variants in COL1A1 are known to be pathogenic (PMID: 7942841, 9295084, 9443882). This variant is not present in population databases (gnomAD no frequency). Disruption of this splice site has been observed in individuals with osteogenesis imperfecta (PMID: 25963598). Algorithms developed to predict the effect of sequence changes on RNA splicing suggest that this variant may disrupt the consensus splice site. For these reasons, this variant has been classified as Pathogenic.

Literature cited by the submitters: PubMed 16199547; PubMed 7942841; PubMed 9295084; PubMed 9443882; PubMed 25963598.

NM_000088.4(COL1A1):c.2938-2A>T

Gene: COL1A1 (collagen type I alpha 1 chain; minus strand). Cytogenetic location: 17q21.33.
Variant type: single nucleotide variant.
Coding change: c.2938-2A>T on transcript NM_000088.4 (MANE Select); the canonical splice acceptor site of the intron before coding-DNA position 2938, A replaced by T.
Molecular consequence: splice acceptor variant.
Genome position (GRCh38, 1-based): chr17:50,189,012, T>A on the plus strand (A>T on the coding strand, the complement: COL1A1 is on the minus strand). VCF-style: chr17-50189012-T-A. GRCh37 (hg19) VCF-style: chr17-48266373-T-A.
Identifiers: ClinVar variation 4735787 (VCV004735787.1).
Genomic context (GRCh38, chr17:50,189,012, plus strand): 5'-GGACCAGGGGGACCACGTTCACCACTTGCTCCAGAGGGACCTTGTTTGCCAGGTTCACCC[T>A]AAGGGAGAAGAAAGAGTCAGGCCAGAGATAGGGTCTGGGAGGACCCTTGAGTCCGCTGGA-3'